The following is an entry in ClinVar:

ClinVar aggregate classification (germline): Uncertain significance. Review status: reviewed by expert panel (3 of 4 stars). 2 submissions from 2 submitters: Uncertain significance (1). 1 of the submissions does not count toward it. Last evaluated 2025-05-02.

Conditions:
Hereditary thrombocytopenia and hematologic cancer predisposition syndrome. Identifiers: Orphanet 71290, MedGen CN281654, MONDO:0011071.
Hereditary thrombocytopenia and hematological cancer predisposition syndrome associated with RUNX1. Also called: Familial Platelet Disorder with Propensity to Acute Myelogenous Leukemia; Familial thrombocytopenia with propensity to acute myelogenous leukemia; PLATELET DISORDER, ASPIRIN-LIKE; RUNX1 Familial Platelet Disorder with Associated Myeloid Malignancies. Identifiers: Orphanet 71290, MedGen C1832388, MeSH C563324, MONDO:0100083, OMIM 601399.

Submissions (2):

ClinGen Myeloid Malignancy Variant Curation Expert Panel
Classification: Uncertain significance for Hereditary thrombocytopenia and hematologic cancer predisposition syndrome. Last evaluated: 2025-05-02. Review status: reviewed by expert panel. Criteria: ClinGen MyeloMalig ACMG Specifications v2. Collection method: curation. Allele origin: germline. Inheritance: Autosomal dominant inheritance.
Comment: NM_001754.5(RUNX1):c.-9_14dup (p.Ser5ArgfsTer22) is a frameshift variant which is completely absent from all population databases with at least 20x coverage for RUNX1 (PM2_supporting). This variant is in an exon that is absent from RUNX1 isoform a and b (c.1-c.97 as per VCEP specifications) (PVS1_NA). In summary, the clinical significance of this variant is uncertain. ACMG/AMP criteria applied, as specified by the Myeloid Malignancy Variant Curation Expert Panel for RUNX1: PM2_supporting.

Labcorp Genetics (formerly Invitae), Labcorp
Classification: Uncertain significance for Hereditary thrombocytopenia and hematological cancer predisposition syndrome associated with RUNX1. Last evaluated: 2024-02-23. Review status: criteria provided, single submitter. Criteria: Invitae Variant Classification Sherloc (09022015). Collection method: clinical testing. Allele origin: germline. Not counted in ClinVar's aggregate classification.
Comment: This sequence change creates a premature translational stop signal (p.Ser5Argfs*22) in the RUNX1 gene. However, it is currently unclear if variants that occur in this region of the gene cause disease. This variant is not present in population databases (gnomAD no frequency). This variant has not been reported in the literature in individuals affected with RUNX1-related conditions. In summary, the available evidence is currently insufficient to determine the role of this variant in disease. Therefore, it has been classified as a Variant of Uncertain Significance.

NM_001754.5(RUNX1):c.-9_14dup (p.Ser5fs)

Gene: RUNX1 (RUNX family transcription factor 1; minus strand). Cytogenetic location: 21q22.12.
Variant type: Duplication.
Coding change: c.-9_14dup on transcript NM_001754.5 (MANE Select); 9 bases upstream of the start codon through coding-DNA position 14, 23 bases duplicated (GAGGAAGCGATGGCTTCAGACAG).
Protein change: p.Ser5fs; shifts the reading frame from serine 5.
Molecular consequence: frameshift variant, initiator codon variant.
Genome position (GRCh38, 1-based): chr21:35,048,886-35,048,908, CTGTCTGAAGCCATCGCTTCCTC duplicated on the plus strand (GAGGAAGCGATGGCTTCAGACAG on the coding strand, the reverse complement: RUNX1 is on the minus strand); duplicating any 23 consecutive bases within chr21:35,048,886-35,048,911 gives the same sequence; the c. name uses the placement nearest the transcript's 3' end. VCF-style (leftmost placement, unchanged base first): chr21-35048885-G-GCTGTCTGAAGCCATCGCTTCCTC. GRCh37 (hg19) VCF-style: chr21-36421182-G-GCTGTCTGAAGCCATCGCTTCCTC.
Other names: NM_001754.5(RUNX1):c.-9_14dup; p.Ser5fs; short protein forms S5fs.
Identifiers: ClinVar variation 3642848 (VCV003642848.3).